The following is an entry in ClinVar:

ClinVar aggregate classification (germline): Uncertain significance. Review status: criteria provided, multiple submitters, no conflicts (2 of 4 stars). 2 submissions from 2 submitters: Uncertain significance (2). Last evaluated 2025-05-21.

Conditions:
Autosomal recessive Alport syndrome (ATS2). Also called: COL4A3-Related Nephropathy; COL4A4 Alport Syndrome and Thin Basement Membrane Nephropathy; ALPORT SYNDROME 2, AUTOSOMAL RECESSIVE; Alport syndrome type 2. Identifiers: Orphanet 63, Orphanet 88919, MedGen C4746745, MONDO:0008762, OMIM 203780.
Hematuria, benign familial, 1 (BFH1). Also called: THIN MEMBRANE NEPHROPATHY. Identifiers: MedGen CN376803, MONDO:0007709, OMIM 141200.

gnomAD v4.1: 2 of 1,614,144 alleles (0.00012%); highest among the groups gnomAD compares: South Asian, 0.0011%; no homozygotes.

Submissions (2):

Labcorp Genetics (formerly Invitae), Labcorp
Classification: Uncertain significance. Last evaluated: 2025-05-21. Review status: criteria provided, single submitter. Criteria: Invitae Variant Classification Sherloc (09022015). Collection method: clinical testing. Allele origin: germline.
Comment: This sequence change replaces alanine, which is neutral and non-polar, with glycine, which is neutral and non-polar, at codon 797 of the COL4A4 protein (p.Ala797Gly). This variant is not present in population databases (gnomAD no frequency). This variant has not been reported in the literature in individuals affected with COL4A4-related conditions. ClinVar contains an entry for this variant (Variation ID: 2808020). Invitae Evidence Modeling of protein sequence and biophysical properties (such as structural, functional, and spatial information, amino acid conservation, physicochemical variation, residue mobility, and thermodynamic stability) indicates that this missense variant is not expected to disrupt COL4A4 protein function with a negative predictive value of 95%. In summary, the available evidence is currently insufficient to determine the role of this variant in disease. Therefore, it has been classified as a Variant of Uncertain Significance.

Fulgent Genetics
Classification: Uncertain significance for Hematuria, benign familial, 1; Autosomal recessive Alport syndrome. Last evaluated: 2024-05-09. Review status: criteria provided, single submitter. Criteria: ACMG Guidelines, 2015. Collection method: clinical testing. Allele origin: germline.

NM_000092.5(COL4A4):c.2390C>G (p.Ala797Gly)

Gene: COL4A4 (collagen type IV alpha 4 chain; minus strand). Cytogenetic location: 2q36.3.
Variant type: single nucleotide variant.
Coding change: c.2390C>G on transcript NM_000092.5 (MANE Select); coding-DNA position 2390, C replaced by G.
Protein change: p.Ala797Gly; replaces alanine 797 with glycine.
Molecular consequence: missense variant.
Genome position (GRCh38, 1-based): chr2:227,057,594, G>C on the plus strand (C>G on the coding strand, the complement: COL4A4 is on the minus strand). VCF-style: chr2-227057594-G-C. GRCh37 (hg19) VCF-style: chr2-227922310-G-C.
Other names: short protein forms A797G.
Identifiers: ClinVar variation 2808020 (VCV002808020.4), dbSNP rs2474167816, ClinGen allele CA350841540.
Genomic context (GRCh38, chr2:227,057,594, plus strand): 5'-AACCCAGCATGTCCCTCTCTGCCTTTGGGACCTTTGAGACCTAGGAATCCAGGAATGCCA[G>C]CTGGCCCTGAAATGATACAATACATCCATGACATTCATGACAAAAAACTATACAGATGGC-3'
Protein context (NP_000083.3, residues 787-807): DPGCPGAEGP[Ala797Gly]GIPGFLGLKG